The following is an entry in ClinVar:

NM_000702.4(ATP1A2):c.881C>T (p.Thr294Ile)

Gene: ATP1A2 (ATPase Na+/K+ transporting subunit alpha 2; plus strand). Cytogenetic location: 1q23.2.
Variant type: single nucleotide variant.
Coding change: c.881C>T on transcript NM_000702.4 (MANE Select); coding-DNA position 881, C replaced by T.
Protein change: p.Thr294Ile; replaces threonine 294 with isoleucine.
Molecular consequence: missense variant.
Genome position (GRCh38, 1-based): chr1:160,127,684, C>T. VCF-style: chr1-160127684-C-T. GRCh37 (hg19) VCF-style: chr1-160097474-C-T.
Other names: short protein forms T294I.
Identifiers: ClinVar variation 2855665 (VCV002855665.3), dbSNP rs2524865358, ClinGen allele CA343237947.

ClinVar aggregate classification (germline): Uncertain significance (1 of 4 stars; one submission).

Conditions:
Familial hemiplegic migraine. Identifiers: MedGen C0338484, MONDO:0000700.

Submission:

Labcorp Genetics (formerly Invitae), Labcorp
Classification: Uncertain significance for Familial hemiplegic migraine. Last evaluated: 2023-10-13. Review status: criteria provided, single submitter. Criteria: Invitae Variant Classification Sherloc (09022015). Collection method: clinical testing. Allele origin: germline.
Comment: This sequence change replaces threonine, which is neutral and polar, with isoleucine, which is neutral and non-polar, at codon 294 of the ATP1A2 protein (p.Thr294Ile). This variant is not present in population databases (gnomAD no frequency). This variant has not been reported in the literature in individuals affected with ATP1A2-related conditions. Advanced modeling of protein sequence and biophysical properties (such as structural, functional, and spatial information, amino acid conservation, physicochemical variation, residue mobility, and thermodynamic stability) performed at Invitae indicates that this missense variant is not expected to disrupt ATP1A2 protein function. In summary, the available evidence is currently insufficient to determine the role of this variant in disease. Therefore, it has been classified as a Variant of Uncertain Significance.